The following is an entry in ClinVar:

ClinVar aggregate classification (germline): Uncertain significance (1 of 4 stars; one submission).

Conditions:
EGFR-related lung cancer (EGFR). Identifiers: MedGen CN130014.

Allele frequency attached by ClinVar (database versions not stated): gnomAD exomes below 0.00001.
gnomAD v4.1: 1 of 1,613,618 alleles (0.000062%); highest among the groups gnomAD compares: South Asian, 0.0011%; no homozygotes.

Submission:

Labcorp Genetics (formerly Invitae), Labcorp
Classification: Uncertain significance for EGFR-related lung cancer. Last evaluated: 2021-07-08. Review status: criteria provided, single submitter. Criteria: Invitae Variant Classification Sherloc (09022015). Collection method: clinical testing. Allele origin: germline.
Comment: This sequence change replaces isoleucine with methionine at codon 491 of the EGFR protein (p.Ile491Met). The isoleucine residue is weakly conserved and there is a small physicochemical difference between isoleucine and methionine. This variant is not present in population databases (ExAC no frequency). This variant has not been reported in the literature in individuals affected with EGFR-related conditions. Algorithms developed to predict the effect of missense changes on protein structure and function output the following: SIFT: "Tolerated"; PolyPhen-2: "Benign"; Align-GVGD: "Class C0". The methionine amino acid residue is found in multiple mammalian species, which suggests that this missense change does not adversely affect protein function. In summary, the available evidence is currently insufficient to determine the role of this variant in disease. Therefore, it has been classified as a Variant of Uncertain Significance.

NM_005228.5(EGFR):c.1473A>G (p.Ile491Met)

Gene: EGFR (epidermal growth factor receptor; plus strand). Cytogenetic location: 7p11.2.
Variant type: single nucleotide variant.
Coding change: c.1473A>G on transcript NM_005228.5 (MANE Select); coding-DNA position 1473, A replaced by G.
Protein change: p.Ile491Met; replaces isoleucine 491 with methionine.
Molecular consequence: missense variant.
Genome position (GRCh38, 1-based): chr7:55,160,313, A>G. VCF-style: chr7-55160313-A-G. GRCh37 (hg19) VCF-style: chr7-55228006-A-G.
Other names: c.1338A>G, p.Ile446Met (NM_001346897.2, NM_001346899.2); c.1473A>G, p.Ile491Met (NM_001346898.2, NM_201282.2, NM_201284.2); c.1314A>G, p.Ile438Met (NM_001346900.2); c.672A>G, p.Ile224Met (NM_001346941.2); short protein forms I438M, I446M, I224M, I491M.
Identifiers: ClinVar variation 1404733 (VCV001404733.8), dbSNP rs2128941714, ClinGen allele CA367579687.